The following is an entry in ClinVar:

ClinVar aggregate classification (germline): Conflicting classifications of pathogenicity. Review status: criteria provided, conflicting classifications (1 of 4 stars). 3 submissions from 3 submitters: Likely pathogenic (2); Uncertain significance (1). Last evaluated 2023-01-24.

Conditions:
POLR3A-related disorder. Also called: POLR3A-related condition; POLR3A-related disorders. Identifiers: MedGen CN378587, MONDO:0700276.
Leukodystrophy, hypomyelinating, 7, with or without oligodontia and/or hypogonadotropic hypogonadism (HLD7). Also called: Ataxia, Delayed Dentition and Hypomyelination (ADDH); LEUKOENCEPHALOPATHY, HYPOMYELINATING, WITH ATAXIA AND DELAYED DENTITION; ATAXIA, DELAYED DENTITION, AND HYPOMYELINATION; LEUKODYSTROPHY, HYPOMYELINATING, 7, WITH OLIGODONTIA; LEUKODYSTROPHY, HYPOMYELINATING, 7, WITH OLIGODONTIA AND HYPOGONADOTROPIC HYPOGONADISM; LEUKODYSTROPHY, HYPOMYELINATING, 7, WITHOUT OLIGODONTIA OR HYPOGONADOTROPIC HYPOGONADISM. Identifiers: Orphanet 137639, Orphanet 447893, Orphanet 447896, Orphanet 77295, Orphanet 88637, MedGen CN034185, MONDO:0011897, OMIM 607694.

Allele frequency attached by ClinVar (database versions not stated): TOPMed 0.00001.

Submissions (3):

Broad Center for Mendelian Genomics, Broad Institute of MIT and Harvard
Classification: Uncertain significance for Leukodystrophy, hypomyelinating, 7, with or without oligodontia and/or hypogonadotropic hypogonadism. Last evaluated: 2023-01-24. Review status: criteria provided, single submitter. Criteria: ACMG Guidelines, 2015. Collection method: curation. Allele origin: germline. Inheritance: Autosomal recessive inheritance.
Comment: The c.1572+1G>T variant in POLR3A has not been previously reported in the literature in individuals with POLR3A-related disorders, but has been identified in 0.003% (1/34590) of Latino/Admixed American chromosomes by the Genome Aggregation Database (gnomAD; dbSNP ID: rs141484643). Although this variant has been seen in the general population in a heterozygous state, its frequency is low enough to be consistent with a recessive carrier frequency. This variant has also been reported in ClinVar (Variation ID#: 986937) and has been interpreted as likely pathogenic by CeGaT Center for Human Genetics T√ºbingen. This variant is located in the 3' splice region. Computational predict a splicing impact, though this information is not predictive enough to determine pathogenicity. This variant is adjacent to an in-frame exon and is more likely to escape nonsense mediated decay (NMD) and result in a truncated protein. In summary, the clinical significance of the c.1572+1G>T variant is uncertain. ACMG/AMP Criteria applied: PVS1_moderate, PM2_supporting (Richards 2015).

Institute of Medical Genetics and Applied Genomics, University Hospital Tübingen
Classification: Likely pathogenic. Last evaluated: 2020-10-23. Review status: criteria provided, single submitter. Criteria: ACMG Guidelines, 2015. Collection method: clinical testing. Allele origin: germline. Inheritance: Autosomal recessive inheritance. Affected: yes.

Blueprint Genetics
Classification: Likely pathogenic for POLR3A-related disorders. Last evaluated: 2020-02-19. Review status: criteria provided, single submitter. Criteria: ACMG Guidelines, 2015. Collection method: clinical testing. Allele origin: germline. Affected: yes. Observed: 1 variant allele.

NM_007055.4(POLR3A):c.1572+1G>T

Gene: POLR3A (RNA polymerase III subunit A; minus strand). Cytogenetic location: 10q22.3.
Variant type: single nucleotide variant.
Coding change: c.1572+1G>T on transcript NM_007055.4 (MANE Select); the canonical splice donor site of the intron after coding-DNA position 1572, G replaced by T.
Molecular consequence: splice donor variant.
Genome position (GRCh38, 1-based): chr10:78,013,649, C>A on the plus strand (G>T on the coding strand, the complement: POLR3A is on the minus strand). VCF-style: chr10-78013649-C-A. GRCh37 (hg19) VCF-style: chr10-79773407-C-A.
Identifiers: ClinVar variation 986937 (VCV000986937.5), dbSNP rs141484643, ClinGen allele CA377341726.